The following is an entry in ClinVar:

ClinVar aggregate classification (germline): Uncertain significance. Review status: criteria provided, multiple submitters, no conflicts (2 of 4 stars). 2 submissions from 2 submitters: Uncertain significance (2). Last evaluated 2025-12-08.

Conditions:
Familial cancer of breast. Also called: hereditary breast carcinoma; BREAST CANCER, FAMILIAL; Hereditary breast cancer. Identifiers: Orphanet 227535, MedGen C0346153, MONDO:0016419, OMIM 114480. Disease mechanism: loss of function.
Pancreatic cancer, susceptibility to, 3. Identifiers: Orphanet 1333, MedGen C3150547, MONDO:0013236, OMIM 613348.
Breast-ovarian cancer, familial, susceptibility to, 5 (BROVCA5). Identifiers: MedGen C5830615, MONDO:0957530, OMIM 620442.
Fanconi anemia complementation group N. Also called: PALB2-Related Fanconi Anemia. Identifiers: Orphanet 84, MedGen C1835817, MONDO:0012565, OMIM 610832. Disease mechanism: loss of function.

Submissions (2):

Labcorp Genetics (formerly Invitae), Labcorp
Classification: Uncertain significance for Familial cancer of breast. Last evaluated: 2025-12-08. Review status: criteria provided, single submitter. Criteria: Invitae Variant Classification Sherloc (09022015). Collection method: clinical testing. Allele origin: germline.
Comment: This sequence change replaces isoleucine, which is neutral and non-polar, with lysine, which is basic and polar, at codon 966 of the PALB2 protein (p.Ile966Lys). This variant is not present in population databases (gnomAD no frequency). This variant has not been reported in the literature in individuals affected with PALB2-related conditions. ClinVar contains an entry for this variant (Variation ID: 860553). Invitae Evidence Modeling of protein sequence and biophysical properties (such as structural, functional, and spatial information, amino acid conservation, physicochemical variation, residue mobility, and thermodynamic stability) indicates that this missense variant is expected to disrupt PALB2 protein function with a positive predictive value of 80%. In summary, the available evidence is currently insufficient to determine the role of this variant in disease. Therefore, it has been classified as a Variant of Uncertain Significance.

Fulgent Genetics
Classification: Uncertain significance for Fanconi anemia complementation group N; Pancreatic cancer, susceptibility to, 3; Breast-ovarian cancer, familial, susceptibility to, 5. Last evaluated: 2024-05-31. Review status: criteria provided, single submitter. Criteria: ACMG Guidelines, 2015. Collection method: clinical testing. Allele origin: germline.

NM_024675.4(PALB2):c.2897T>A (p.Ile966Lys)

Gene: PALB2 (partner and localizer of BRCA2; minus strand). Cytogenetic location: 16p12.2.
Variant type: single nucleotide variant.
Coding change: c.2897T>A on transcript NM_024675.4 (MANE Select); coding-DNA position 2897, T replaced by A.
Protein change: p.Ile966Lys; replaces isoleucine 966 with lysine.
Molecular consequence: missense variant.
Genome position (GRCh38, 1-based): chr16:23,623,068, A>T on the plus strand (T>A on the coding strand, the complement: PALB2 is on the minus strand). VCF-style: chr16-23623068-A-T. GRCh37 (hg19) VCF-style: chr16-23634389-A-T.
Other names: short protein forms I966K.
Identifiers: ClinVar variation 860553 (VCV000860553.11), dbSNP rs587780214, ClinGen allele CA395144282.
Genomic context (GRCh38, chr16:23,623,068, plus strand): 5'-TCAGAAAGGGTCCCACTGCTACTAACTAGCCTCCTCTTTGTCAGGCCAAGCACAGCTTTT[A>T]TATTTCCAGACTTCAGTAGTACTTGCTTTTCACTTTCATCATCAGAGGAACAAAACAATG-3'
Protein context (NP_078951.2, residues 956-976): EKQVLLKSGN[Ile966Lys]KAVLGLTKRR